The following is an entry in ClinVar:

NM_001846.4(COL4A2):c.2819C>T (p.Pro940Leu)

Gene: COL4A2 (collagen type IV alpha 2 chain; plus strand). Cytogenetic location: 13q34.
Variant type: single nucleotide variant.
Coding change: c.2819C>T on transcript NM_001846.4 (MANE Select); coding-DNA position 2819, C replaced by T.
Protein change: p.Pro940Leu; replaces proline 940 with leucine.
Molecular consequence: missense variant.
Genome position (GRCh38, 1-based): chr13:110,482,576, C>T. VCF-style: chr13-110482576-C-T. GRCh37 (hg19) VCF-style: chr13-111134923-C-T.
Other names: short protein forms P940L.
Identifiers: ClinVar variation 4777659 (VCV004777659.3).

ClinVar aggregate classification (germline): Uncertain significance. Review status: criteria provided, multiple submitters, no conflicts (2 of 4 stars). 2 submissions from 2 submitters: Uncertain significance (2). Last evaluated 2025-07-23.

Submissions (2):

Dasa
Classification: Uncertain significance. Last evaluated: 2025-07-23. Review status: criteria provided, single submitter. Criteria: DASA Assertion Criteria. Collection method: clinical testing. Allele origin: germline.
Comment: NM_001846.4(COL4A2):c.2819C>T (p.Pro940Leu) is a missense variant that results in the substitution of proline with leucine. This variant is rare in population databases. Computational prediction algorithms are consistent with a benign effect. The currently available literature and clinical evidence are not sufficient to establish a definitive association between this variant and the reported condition. Therefore, this variant is classified as a variant of uncertain significance.

Labcorp Genetics (formerly Invitae), Labcorp
Classification: Uncertain significance. Last evaluated: 2025-02-19. Review status: criteria provided, single submitter. Criteria: Invitae Variant Classification Sherloc (09022015). Collection method: clinical testing. Allele origin: germline.
Comment: This sequence change replaces proline, which is neutral and non-polar, with leucine, which is neutral and non-polar, at codon 940 of the COL4A2 protein (p.Pro940Leu). This variant is not present in population databases (gnomAD no frequency). This variant has not been reported in the literature in individuals affected with COL4A2-related conditions. Invitae Evidence Modeling of protein sequence and biophysical properties (such as structural, functional, and spatial information, amino acid conservation, physicochemical variation, residue mobility, and thermodynamic stability) indicates that this missense variant is not expected to disrupt COL4A2 protein function with a negative predictive value of 95%. In summary, the available evidence is currently insufficient to determine the role of this variant in disease. Therefore, it has been classified as a Variant of Uncertain Significance.